The following is an entry in ClinVar:

NM_020297.4(ABCC9):c.3557G>C (p.Arg1186Pro)

Gene: ABCC9 (ATP binding cassette subfamily C member 9; minus strand). Cytogenetic location: 12p12.1.
Variant type: single nucleotide variant.
Coding change: c.3557G>C on transcript NM_020297.4 (MANE Select); coding-DNA position 3557, G replaced by C.
Protein change: p.Arg1186Pro; replaces arginine 1186 with proline.
Molecular consequence: missense variant.
Genome position (GRCh38, 1-based): chr12:21,838,087, C>G on the plus strand (G>C on the coding strand, the complement: ABCC9 is on the minus strand). VCF-style: chr12-21838087-C-G. GRCh37 (hg19) VCF-style: chr12-21991021-C-G.
Other names: c.3557G>C, p.Arg1186Pro (NM_001377273.1, NM_005691.4); c.2690G>C, p.Arg897Pro (NM_001377274.1); short protein forms R1186P, R897P.
Identifiers: ClinVar variation 2127137 (VCV002127137.4), dbSNP rs776973456, ClinGen allele CA384140537.
Genomic context (GRCh38, chr12:21,838,087, plus strand): 5'-TGTTGATGATGTTATTGCCTAGTCAGCTAATATAAAAATGTGTTTACTCACCTAAAGGCC[C>G]GAATGGTGGTGAGTCCTTCTGCTGTTTCTGAGAAGTGACAGAGCAGAGGGAGCTGGGTAC-3'
Protein context (NP_064693.2, residues 1176-1196): SETAEGLTTI[Arg1186Pro]AFRHETRFKQ

ClinVar aggregate classification (germline): Uncertain significance (1 of 4 stars; one submission).

Conditions:
Dilated cardiomyopathy 1O (CMD1O). Also called: CARDIOMYOPATHY, DILATED, WITH VENTRICULAR TACHYCARDIA. Identifiers: Orphanet 154, MedGen C1837839, MONDO:0012062, OMIM 608569.

Submission:

Labcorp Genetics (formerly Invitae), Labcorp
Classification: Uncertain significance for Dilated cardiomyopathy 1O. Last evaluated: 2022-04-17. Review status: criteria provided, single submitter. Criteria: Invitae Variant Classification Sherloc (09022015). Collection method: clinical testing. Allele origin: germline.
Comment: This sequence change replaces arginine, which is basic and polar, with proline, which is neutral and non-polar, at codon 1186 of the ABCC9 protein (p.Arg1186Pro). This variant is not present in population databases (gnomAD no frequency). This variant has not been reported in the literature in individuals affected with ABCC9-related conditions. Algorithms developed to predict the effect of missense changes on protein structure and function are either unavailable or do not agree on the potential impact of this missense change (SIFT: "Tolerated"; PolyPhen-2: "Probably Damaging"; Align-GVGD: "Class C0"). In summary, the available evidence is currently insufficient to determine the role of this variant in disease. Therefore, it has been classified as a Variant of Uncertain Significance.